The following is an entry in ClinVar:

NM_001371928.1(AHDC1):c.898dup (p.Leu300fs)

Gene: AHDC1 (AT-hook DNA binding motif containing 1; minus strand). Cytogenetic location: 1p36.11.
Variant type: Duplication.
Coding change: c.898dup on transcript NM_001371928.1 (MANE Select); coding-DNA position 898, one base duplicated (C; older notation c.898dupC).
Protein change: p.Leu300fs; shifts the reading frame from leucine 300.
Molecular consequence: frameshift variant.
Genome position (GRCh38, 1-based): chr1:27,551,218, G duplicated on the plus strand (C on the coding strand, the reverse complement: AHDC1 is on the minus strand); the first of 4 consecutive G bases (chr1:27,551,218-27,551,221); duplicating any one gives the same sequence. VCF-style (leftmost placement, unchanged base first): chr1-27551217-A-AG. GRCh37 (hg19) VCF-style: chr1-27877728-A-AG.
Other names: c.898dup, p.Leu300fs (NM_001029882.3); short protein forms L300fs.
Identifiers: ClinVar variation 3359046 (VCV003359046.2).

ClinVar aggregate classification (germline): Pathogenic (1 of 4 stars; one submission).

Conditions:
AHDC1-related intellectual disability - obstructive sleep apnea - mild dysmorphism syndrome. Also called: Xia-Gibbs syndrome. Identifiers: Orphanet 412069, MedGen C4014419, MONDO:0014358, OMIM 615829.

Submission:

Institute of Human Genetics, University of Leipzig Medical Center
Classification: Pathogenic for AHDC1-related intellectual disability - obstructive sleep apnea - mild dysmorphism syndrome. Last evaluated: 2024-06-17. Review status: criteria provided, single submitter. Criteria: ACMG Guidelines, 2015. Collection method: clinical testing. Allele origin: unknown. Affected: yes.
Comment: Criteria applied: PVS1,PM2_MOD